The following is an entry in ClinVar:

ClinVar aggregate classification (germline): Uncertain significance (1 of 4 stars; one submission).

Allele frequency attached by ClinVar (database versions not stated): TOPMed 0.00004; ExAC 0.00007; gnomAD 0.00004.
gnomAD v4.1: 77 of 1,613,860 alleles (0.0048%); highest among the groups gnomAD compares: Non-Finnish European, 0.0058%; no homozygotes.

Submissions (2):

Labcorp Genetics (formerly Invitae), Labcorp
Classification: Uncertain significance. Last evaluated: 2024-01-22. Review status: criteria provided, single submitter. Criteria: Invitae Variant Classification Sherloc (09022015). Collection method: clinical testing. Allele origin: germline.
Comment: This sequence change replaces arginine, which is basic and polar, with glutamine, which is neutral and polar, at codon 768 of the UNC45A protein (p.Arg768Gln). This variant also falls at the last nucleotide of exon 17, which is part of the consensus splice site for this exon. This variant is present in population databases (rs754236017, gnomAD 0.008%). This variant has not been reported in the literature in individuals affected with UNC45A-related conditions. ClinVar contains an entry for this variant (Variation ID: 1006952). An algorithm developed to predict the effect of missense changes on protein structure and function (PolyPhen-2) suggests that this variant¬†is likely to be tolerated. Variants that disrupt the consensus splice site are a relatively common cause of aberrant splicing (PMID: 17576681, 9536098). Algorithms developed to predict the effect of sequence changes on RNA splicing suggest that this variant may disrupt the consensus splice site. In summary, the available evidence is currently insufficient to determine the role of this variant in disease. Therefore, it has been classified as a Variant of Uncertain Significance.

Dr. Peter K. Rogan Lab, Western University
No classification provided (evidence only). Condition: Melanoma. Review status: no classification provided. Collection method: in vitro. Allele origin: not applicable. Functional consequence: retained intron. Not counted in ClinVar's aggregate classification.

Literature cited by the submitters: PubMed 17576681 (cited by Labcorp Genetics (formerly Invitae), Labcorp); PubMed 9536098 (cited by Labcorp Genetics (formerly Invitae), Labcorp).

NM_018671.5(UNC45A):c.2303G>A (p.Arg768Gln)

Gene: UNC45A (unc-45 myosin chaperone A; plus strand). Cytogenetic location: 15q26.1.
Variant type: single nucleotide variant.
Coding change: c.2303G>A on transcript NM_018671.5 (MANE Select); coding-DNA position 2303, G replaced by A.
Protein change: p.Arg768Gln; replaces arginine 768 with glutamine.
Molecular consequence: missense variant.
Genome position (GRCh38, 1-based): chr15:90,950,615, G>A. VCF-style: chr15-90950615-G-A. GRCh37 (hg19) VCF-style: chr15-91493845-G-A.
Other names: c.2258G>A, p.Arg753Gln (NM_001039675.2, NM_001323621.2); c.2303G>A, p.Arg768Gln (NM_001323619.1); c.1868G>A, p.Arg623Gln (NM_001323620.2); short protein forms R623Q, R753Q, R768Q.
Identifiers: ClinVar variation 1006952 (VCV001006952.5), dbSNP rs754236017, ClinGen allele CA7743237.